The following is an entry in ClinVar:

ClinVar aggregate classification (germline): Pathogenic/Likely pathogenic. Review status: criteria provided, multiple submitters, no conflicts (2 of 4 stars). 7 submissions from 7 submitters: Pathogenic (5); Likely pathogenic (2). Last evaluated 2025-02-27.

Conditions:
Aplastic anemia. Identifiers: Orphanet 182040, Orphanet 88, MedGen C0002874, MONDO:0015909, OMIM 609135, HP:0001915.
Microcephaly, normal intelligence and immunodeficiency (NBS). Also called: IMMUNODEFICIENCY, MICROCEPHALY, AND CHROMOSOMAL INSTABILITY; SEEMANOVA SYNDROME II; Immunodeficiency, microcephaly with normal intelligence; Ataxia telangiectasia variant V1; Nijmegen breakage syndrome; Microcephaly with normal intelligence immunodeficiency and lymphoreticular malignancies. Identifiers: Orphanet 647, MedGen C0398791, MONDO:0009623, OMIM 251260.
Acute lymphoid leukemia (ALL). Also called: Leukemia, acute lymphoblastic, somatic; Lymphoblastic leukemia; Acute lymphoblastic leukemia; Acute lymphocytic leukemia. Identifiers: Orphanet 513, MedGen C0023449, MONDO:0004967, OMIM 613065, HP:0006721.
Hereditary cancer-predisposing syndrome. Also called: Hereditary Cancer Syndrome; Neoplastic Syndromes, Hereditary; Tumor predisposition; Hereditary neoplastic syndrome. Identifiers: Orphanet 140162, MedGen C0027672, MeSH D009386, MONDO:0015356.

Submissions (7):

Labcorp Genetics (formerly Invitae), Labcorp
Classification: Pathogenic for Microcephaly, normal intelligence and immunodeficiency. Last evaluated: 2025-02-27. Review status: criteria provided, single submitter. Criteria: Invitae Variant Classification Sherloc (09022015). Collection method: clinical testing. Allele origin: germline.
Comment: This sequence change creates a premature translational stop signal (p.Pro495Metfs*34) in the NBN gene. It is expected to result in an absent or disrupted protein product. Loss-of-function variants in NBN are known to be pathogenic (PMID: 9590180, 16415040). This variant is present in population databases (rs764884516, gnomAD 0.007%). This variant has not been reported in the literature in individuals affected with NBN-related conditions. For these reasons, this variant has been classified as Pathogenic.

Fulgent Genetics
Classification: Likely pathogenic for Microcephaly, normal intelligence and immunodeficiency; Aplastic anemia; Acute lymphoid leukemia. Last evaluated: 2024-05-29. Review status: criteria provided, single submitter. Criteria: ACMG Guidelines, 2015. Collection method: clinical testing. Allele origin: germline.

Baylor Genetics
Classification: Pathogenic for Aplastic anemia. Last evaluated: 2023-08-14. Review status: criteria provided, single submitter. Criteria: ACMG Guidelines, 2015. Collection method: clinical testing. Allele origin: unknown.

GeneDx
Classification: Likely pathogenic. Last evaluated: 2023-06-06. Review status: criteria provided, single submitter. Criteria: GeneDx Variant Classification Process June 2021. Collection method: clinical testing. Allele origin: germline. Affected: yes.
Comment: Frameshift variant predicted to result in protein truncation or nonsense mediated decay in a gene for which loss-of-function is a known mechanism of disease; Not observed at significant frequency in large population cohorts (gnomAD); Has not been previously published as pathogenic or benign to our knowledge

Ambry Genetics
Classification: Pathogenic for Hereditary cancer-predisposing syndrome. Last evaluated: 2021-12-15. Review status: criteria provided, single submitter. Criteria: Ambry Variant Classification Scheme 2023. Collection method: clinical testing. Allele origin: germline.
Comment: The c.1483_1484delCCinsA pathogenic mutation, located in coding exon 11 of the NBN gene, results from the deletion of two nucleotides and insertion of one nucleotide causing a translational frameshift with a predicted alternate stop codon (p.P495Mfs*34). This variant is considered to be rare based on population cohorts in the Genome Aggregation Database (gnomAD). This alteration is expected to result in loss of function by premature protein truncation or nonsense-mediated mRNA decay. As such, this alteration is interpreted as a disease-causing mutation.

Genome-Nilou Lab
Classification: Pathogenic for Microcephaly, normal intelligence and immunodeficiency. Last evaluated: 2021-11-07. Review status: criteria provided, single submitter. Criteria: ACMG Guidelines, 2015. Collection method: clinical testing. Allele origin: germline. Affected: no.

Revvity Omics, Revvity
Classification: Pathogenic. Last evaluated: 2019-01-02. Review status: criteria provided, single submitter. Criteria: ACMG Guidelines, 2015. Collection method: clinical testing. Allele origin: germline.

Literature cited by the submitters: PubMed 9590180 (cited by Labcorp Genetics (formerly Invitae), Labcorp); PubMed 16415040 (cited by Labcorp Genetics (formerly Invitae), Labcorp).

NM_002485.5(NBN):c.1483_1484delinsA (p.Pro495fs)

Gene: NBN (nibrin; minus strand). Cytogenetic location: 8q21.3.
Variant type: Indel.
Coding change: c.1483_1484delinsA on transcript NM_002485.5 (MANE Select); coding-DNA positions 1483 to 1484, CC replaced by A.
Protein change: p.Pro495fs; shifts the reading frame from proline 495.
Molecular consequence: frameshift variant.
Genome position (GRCh38, 1-based): chr8:89,953,605-89,953,606, GG replaced by T on the plus strand (CC replaced by A on the coding strand, the reverse complement: NBN is on the minus strand). VCF-style: chr8-89953605-GG-T. GRCh37 (hg19) VCF-style: chr8-90965833-GG-T.
Other names: c.1483_1484delCCinsA (NM_002485.4); c.1237_1238delinsA, p.Pro413fs (NM_001024688.3); short protein forms P413fs, P495fs.
Identifiers: ClinVar variation 186736 (VCV000186736.23), dbSNP rs764884516, ClinGen allele CA195701.